The following is an entry in ClinVar:

NM_006348.5(COG5):c.1069A>G (p.Thr357Ala)

Gene: COG5 (component of oligomeric golgi complex 5; minus strand). Cytogenetic location: 7q22.3.
Variant type: single nucleotide variant.
Coding change: c.1069A>G on transcript NM_006348.5 (MANE Select); coding-DNA position 1069, A replaced by G.
Protein change: p.Thr357Ala; replaces threonine 357 with alanine.
Molecular consequence: missense variant. On other transcripts: intron variant (1).
Genome position (GRCh38, 1-based): chr7:107,324,479, T>C on the plus strand (A>G on the coding strand, the complement: COG5 is on the minus strand). VCF-style: chr7-107324479-T-C. GRCh37 (hg19) VCF-style: chr7-106964924-T-C.
Other names: c.1069A>G, p.Thr357Ala (NM_001161520.2, NM_001379511.1, NM_001379512.1 and 3 more transcripts); c.355A>G, p.Thr119Ala (NM_001379516.1); c.539-26133A>G (NM_001379515.1); short protein forms T357A, T119A.
Identifiers: ClinVar variation 1432763 (VCV001432763.8), dbSNP rs1809589810, ClinGen allele CA368941370.

ClinVar aggregate classification (germline): Uncertain significance (1 of 4 stars; one submission).

Conditions:
COG5-congenital disorder of glycosylation. Also called: COG5-CDG; CDG IIi; CONGENITAL DISORDER OF GLYCOSYLATION, TYPE IIi. Identifiers: Orphanet 263487, MedGen C3150876, MONDO:0013325, OMIM 613612.

Allele frequency attached by ClinVar (database versions not stated): gnomAD exomes below 0.00001; TOPMed below 0.00001.
gnomAD v4.1: 3 of 1,606,444 alleles (0.00019%); highest among the groups gnomAD compares: Admixed American, 0.005%; no homozygotes.

Submission:

Labcorp Genetics (formerly Invitae), Labcorp
Classification: Uncertain significance for COG5-congenital disorder of glycosylation. Last evaluated: 2021-04-16. Review status: criteria provided, single submitter. Criteria: Invitae Variant Classification Sherloc (09022015). Collection method: clinical testing. Allele origin: germline.
Comment: In summary, the available evidence is currently insufficient to determine the role of this variant in disease. Therefore, it has been classified as a Variant of Uncertain Significance. Algorithms developed to predict the effect of missense changes on protein structure and function (SIFT, PolyPhen-2, Align-GVGD) all suggest that this variant is likely to be tolerated, but these predictions have not been confirmed by published functional studies and their clinical significance is uncertain. This variant is not present in population databases (ExAC no frequency). This sequence change replaces threonine with alanine at codon 388 of the COG5 protein (p.Thr388Ala). The threonine residue is highly conserved and there is a small physicochemical difference between threonine and alanine. This variant has not been reported in the literature in individuals with COG5-related conditions.